The following is an entry in ClinVar:

ClinVar aggregate classification (germline): Uncertain significance. Review status: criteria provided, multiple submitters, no conflicts (2 of 4 stars). 4 submissions from 3 submitters: Uncertain significance (4). Last evaluated 2024-01-16.

Conditions:
Usher syndrome type 2D. Also called: USHER SYNDROME, TYPE IID. Identifiers: Orphanet 231178, Orphanet 886, MedGen C1568249, MONDO:0012662, OMIM 611383.
Autosomal recessive nonsyndromic hearing loss 31. Also called: WHIRLER, MOUSE, HOMOLOG OF. Identifiers: Orphanet 90636, MedGen C1846839, MONDO:0011767, OMIM 607084.

Allele frequency attached by ClinVar (database versions not stated): TOPMed below 0.00001; gnomAD 0.00001.

Submissions (4):

Blueprint Genetics
Classification: Uncertain significance. Last evaluated: 2024-01-16. Review status: criteria provided, single submitter. Criteria: ACMG Guidelines, 2015. Collection method: clinical testing. Allele origin: germline.

Labcorp Genetics (formerly Invitae), Labcorp
Classification: Uncertain significance. Last evaluated: 2021-12-21. Review status: criteria provided, single submitter. Criteria: Invitae Variant Classification Sherloc (09022015). Collection method: clinical testing. Allele origin: germline.
Comment: In summary, the available evidence is currently insufficient to determine the role of this variant in disease. Therefore, it has been classified as a Variant of Uncertain Significance. Variants that disrupt the consensus splice site are a relatively common cause of aberrant splicing (PMID: 17576681, 9536098). Algorithms developed to predict the effect of sequence changes on RNA splicing suggest that this variant may disrupt the consensus splice site. Algorithms developed to predict the effect of missense changes on protein structure and function (SIFT, PolyPhen-2, Align-GVGD) all suggest that this variant is likely to be tolerated. ClinVar contains an entry for this variant (Variation ID: 914596). This variant has not been reported in the literature in individuals affected with WHRN-related conditions. This variant is present in population databases (rs759109990, gnomAD 0.0009%). This sequence change replaces glycine, which is neutral and non-polar, with glutamic acid, which is acidic and polar, at codon 389 of the WHRN protein (p.Gly389Glu). This variant also falls at the last nucleotide of exon 4, which is part of the consensus splice site for this exon.

Illumina Laboratory Services, Illumina
Classification: Uncertain significance for Usher syndrome type 2D. Last evaluated: 2018-01-13. Review status: criteria provided, single submitter. Criteria: ICSL Variant Classification Criteria 13 December 2019. Collection method: clinical testing. Allele origin: germline.

Illumina Laboratory Services, Illumina
Classification: Uncertain significance for Autosomal recessive nonsyndromic hearing loss 31. Last evaluated: 2018-01-13. Review status: criteria provided, single submitter. Criteria: ICSL Variant Classification Criteria 13 December 2019. Collection method: clinical testing. Allele origin: germline.

Literature cited by the submitters: PubMed 17576681 (cited by Labcorp Genetics (formerly Invitae), Labcorp); PubMed 9536098 (cited by Labcorp Genetics (formerly Invitae), Labcorp).

NM_015404.4(WHRN):c.1166G>A (p.Gly389Glu)

Gene: WHRN (whirlin; minus strand). Cytogenetic location: 9q32.
Variant type: single nucleotide variant.
Coding change: c.1166G>A on transcript NM_015404.4 (MANE Select); coding-DNA position 1166, G replaced by A.
Protein change: p.Gly389Glu; replaces glycine 389 with glutamic acid.
Molecular consequence: missense variant.
Genome position (GRCh38, 1-based): chr9:114,426,211, C>T on the plus strand (G>A on the coding strand, the complement: WHRN is on the minus strand). VCF-style: chr9-114426211-C-T. GRCh37 (hg19) VCF-style: chr9-117188491-C-T.
Other names: c.17G>A, p.Gly6Glu (NM_001083885.3); c.1166G>A, p.Gly389Glu (NM_001173425.2); short protein forms G6E, G389E.
Identifiers: ClinVar variation 914596 (VCV000914596.12), dbSNP rs759109990, ClinGen allele CA5206064.